The following is an entry in ClinVar:

ClinVar aggregate classification (germline): Uncertain significance (1 of 4 stars; one submission).

Conditions:
Hereditary sensory neuropathy-deafness-dementia syndrome. Also called: Hereditary Sensory and Autonomic Neuropathy Type 1E (HSAN1E); NEUROPATHY, HEREDITARY SENSORY, WITH HEARING LOSS AND DEMENTIA; HSN IE; Hereditary sensory neuropathy type IE. Identifiers: Orphanet 456318, MedGen C3279885, MONDO:0013584, OMIM 614116.

Submission:

Labcorp Genetics (formerly Invitae), Labcorp
Classification: Uncertain significance for Hereditary sensory neuropathy-deafness-dementia syndrome. Last evaluated: 2023-07-14. Review status: criteria provided, single submitter. Criteria: Invitae Variant Classification Sherloc (09022015). Collection method: clinical testing. Allele origin: germline.
Comment: In summary, the available evidence is currently insufficient to determine the role of this variant in disease. Therefore, it has been classified as a Variant of Uncertain Significance. Advanced modeling of protein sequence and biophysical properties (such as structural, functional, and spatial information, amino acid conservation, physicochemical variation, residue mobility, and thermodynamic stability) has been performed at Invitae for this missense variant, however the output from this modeling did not meet the statistical confidence thresholds required to predict the impact of this variant on DNMT1 protein function. This variant has not been reported in the literature in individuals affected with DNMT1-related conditions. This variant is not present in population databases (gnomAD no frequency). This sequence change replaces isoleucine, which is neutral and non-polar, with methionine, which is neutral and non-polar, at codon 1030 of the DNMT1 protein (p.Ile1030Met).

NM_001130823.3(DNMT1):c.3090C>G (p.Ile1030Met)

Gene: DNMT1 (DNA methyltransferase 1; minus strand). Cytogenetic location: 19p13.2.
Variant type: single nucleotide variant.
Coding change: c.3090C>G on transcript NM_001130823.3 (MANE Select); coding-DNA position 3090, C replaced by G.
Protein change: p.Ile1030Met; replaces isoleucine 1030 with methionine.
Molecular consequence: missense variant.
Genome position (GRCh38, 1-based): chr19:10,143,792, G>C on the plus strand (C>G on the coding strand, the complement: DNMT1 is on the minus strand). VCF-style: chr19-10143792-G-C. GRCh37 (hg19) VCF-style: chr19-10254468-G-C.
Other names: c.3042C>G, p.Ile1014Met (NM_001318730.2, NM_001379.4); c.2727C>G, p.Ile909Met (NM_001318731.2); short protein forms I1014M, I1030M, I909M.
Identifiers: ClinVar variation 2877901 (VCV002877901.3), dbSNP rs2513790696, ClinGen allele CA403975634.
Genomic context (GRCh38, chr19:10,143,792, plus strand): 5'-GTGGCCTCGTGGAAGAACAGAGGCCTCTGCTGACCTGTAGAACTTGTTGACCCGGATTTT[G>C]ATGTCAGTCTCATTGGGCCTGCCGTTGCTCTTCTTGGGACAGAAGATCTCTTTGATCCGG-3'
Protein context (NP_001124295.1, residues 1020-1040): KSNGRPNETD[Ile1030Met]KIRVNKFYRP